The following is an entry in ClinVar:

ClinVar aggregate classification (germline): Uncertain significance. Review status: criteria provided, multiple submitters, no conflicts (2 of 4 stars). 5 submissions from 5 submitters: Uncertain significance (5). Last evaluated 2026-01-16.

Conditions:
Cardiovascular phenotype. Identifiers: MedGen CN230736.
Hypertrophic cardiomyopathy 14. Identifiers: MedGen C2750467, MONDO:0013197, OMIM 613251.

Allele frequency attached by ClinVar (database versions not stated): ExAC 0.00001; gnomAD 0.00001 and 0.00002; gnomAD exomes 0.00001 and 0.00002; TOPMed 0.00004.

Submissions (5):

Women's Health and Genetics/Laboratory Corporation of America, LabCorp
Classification: Uncertain significance. Last evaluated: 2026-01-16. Review status: criteria provided, single submitter. Criteria: LabCorp Variant Classification Summary - May 2015. Collection method: clinical testing. Allele origin: germline.
Comment: Variant summary: MYH6 c.121G>A (p.Asp41Asn) results in a conservative amino acid change located in the myosin N-terminal SH3-like domain (IPR004009) of the encoded protein sequence. Algorithms developed to predict the effect of missense changes on protein structure and function are either unavailable or do not agree on the potential impact of this missense change. The variant allele was found at a frequency of 1.4e-05 in 1607126 control chromosomes (gnomAD). This frequency is not significantly higher than estimated for disease-causing variants in MYH6, allowing no conclusion about variant significance. To our knowledge, no occurrence of c.121G>A in individuals affected with MYH6-related conditions and no experimental evidence demonstrating its impact on protein function have been reported. ClinVar contains an entry for this variant (Variation ID: 191723). Based on the evidence outlined above, the variant was classified as uncertain significance.

Ambry Genetics
Classification: Uncertain significance for Cardiovascular phenotype. Last evaluated: 2025-08-28. Review status: criteria provided, single submitter. Criteria: Ambry Variant Classification Scheme 2023. Collection method: clinical testing. Allele origin: germline.
Comment: The p.D41N variant (also known as c.121G>A), located in coding exon 1 of the MYH6 gene, results from a G to A substitution at nucleotide position 121. The aspartic acid at codon 41 is replaced by asparagine, an amino acid with highly similar properties. This alteration has been reported as a secondary cardiac variant in an exome cohort; however, clinical details are limited (Ng D et al. Circ Cardiovasc Genet, 2013 Aug;6:337-46). This amino acid position is well conserved in available vertebrate species. In addition, the in silico prediction for this alteration is inconclusive. Since supporting evidence is limited at this time, the clinical significance of this alteration remains unclear.

GeneDx
Classification: Uncertain significance. Last evaluated: 2023-11-22. Review status: criteria provided, single submitter. Criteria: GeneDx Variant Classification Process June 2021. Collection method: clinical testing. Allele origin: germline. Affected: yes.
Comment: Not observed at significant frequency in large population cohorts (gnomAD); In silico analysis supports that this missense variant has a deleterious effect on protein structure/function; Has not been previously published as pathogenic or benign to our knowledge

Labcorp Genetics (formerly Invitae), Labcorp
Classification: Uncertain significance for Hypertrophic cardiomyopathy 14. Last evaluated: 2022-06-11. Review status: criteria provided, single submitter. Criteria: Invitae Variant Classification Sherloc (09022015). Collection method: clinical testing. Allele origin: germline.
Comment: This sequence change replaces aspartic acid, which is acidic and polar, with asparagine, which is neutral and polar, at codon 41 of the MYH6 protein (p.Asp41Asn). This variant is present in population databases (rs201161721, gnomAD 0.009%). This variant has not been reported in the literature in individuals affected with MYH6-related conditions. ClinVar contains an entry for this variant (Variation ID: 191723). Algorithms developed to predict the effect of missense changes on protein structure and function are either unavailable or do not agree on the potential impact of this missense change (SIFT: "Deleterious"; PolyPhen-2: "Possibly Damaging"; Align-GVGD: "Class C0"). In summary, the available evidence is currently insufficient to determine the role of this variant in disease. Therefore, it has been classified as a Variant of Uncertain Significance.

Biesecker Lab/Clinical Genomics Section, National Institutes of Health
Classification: Uncertain significance. Last evaluated: 2013-06-24. Review status: criteria provided, single submitter. Criteria: Ng et al. (Circ Cardiovasc Genet. 2013). Collection method: research. Allele origin: unknown. Observed: 1 variant allele. Study: ClinSeq.
Comment: The study set was not selected for affection status in relation to any cancer. Pathogenicity categories were based on literature curation. See Pubmed ID:23861362 for details.

Medical sequencing

Literature cited by the submitters: PubMed 23861362 (cited by Ambry Genetics).

NM_002471.4(MYH6):c.121G>A (p.Asp41Asn)

Genes: MYH6 (myosin heavy chain 6; minus strand), LOC114827851 (VISTA enhancer hs2155; plus strand). Cytogenetic location: 14q11.2.
Variant type: single nucleotide variant.
Coding change: c.121G>A on transcript NM_002471.4 (MANE Select); coding-DNA position 121, G replaced by A.
Protein change: p.Asp41Asn; replaces aspartic acid 41 with asparagine.
Molecular consequence: missense variant.
Genome position (GRCh38, 1-based): chr14:23,407,103, C>T on the plus strand (G>A on the coding strand, the complement: MYH6 is on the minus strand). VCF-style: chr14-23407103-C-T. GRCh37 (hg19) VCF-style: chr14-23876312-C-T.
Other names: short protein forms D41N.
Identifiers: ClinVar variation 191723 (VCV000191723.14), dbSNP rs201161721, ClinGen allele CA237376.